The following is an entry in ClinVar:

NM_001165963.4(SCN1A):c.2590C>A (p.Leu864Met)

Gene: SCN1A (sodium voltage-gated channel alpha subunit 1; minus strand). Cytogenetic location: 2q24.3.
Variant type: single nucleotide variant.
Coding change: c.2590C>A on transcript NM_001165963.4 (MANE Select); coding-DNA position 2590, C replaced by A.
Protein change: p.Leu864Met; replaces leucine 864 with methionine.
Molecular consequence: missense variant. On other transcripts: non-coding transcript variant (1).
Genome position (GRCh38, 1-based): chr2:166,038,132, G>T on the plus strand (C>A on the coding strand, the complement: SCN1A is on the minus strand). VCF-style: chr2-166038132-G-T. GRCh37 (hg19) VCF-style: chr2-166894642-G-T.
Other names: c.2590C>A (NM_001165963.1); c.2506C>A, p.Leu836Met (NM_001165964.3, NM_001353957.2, NM_001353958.2); c.2590C>A, p.Leu864Met (NM_001202435.3, NM_001353948.2); c.2557C>A, p.Leu853Met (NM_001353949.2, NM_001353950.2, NM_001353951.2 and 2 more transcripts); c.2554C>A, p.Leu852Met (NM_001353954.2, NM_001353955.2); c.2503C>A, p.Leu835Met (NM_001353960.2); c.148C>A, p.Leu50Met (NM_001353961.2); short protein forms L50M, L835M, L836M, L852M, L853M, L864M.
Identifiers: ClinVar variation 1320315 (VCV001320315.11), dbSNP rs140035595, ClinGen allele CA349061824.
Genomic context (GRCh38, chr2:166,038,132, plus strand): 5'-CGATGATCTTTATTAGCATATTTAACGTTGGCCAAGATTTTGCCAACTTGAAAACTCGCA[G>T]CTGGAAAATGAAAGATTAATATATATTTGTATGATTCTTAAAAGCATTATATATATTGAG-3'
Protein context (NP_001159435.1, residues 854-874): GLSVLRSFRL[Leu864Met]RVFKLAKSWP

ClinVar aggregate classification (germline): Uncertain significance. Review status: criteria provided, multiple submitters, no conflicts (2 of 4 stars). 3 submissions from 3 submitters: Uncertain significance (3). Last evaluated 2026-10-15.

Conditions:
Early-infantile DEE. Also called: Early infantile epileptic encephalopathy; Ohtahara syndrome; Early infantile epileptic encephalopathy with suppression bursts. Identifiers: Orphanet 1934, MedGen C0393706, MONDO:0800491.
Developmental and epileptic encephalopathy 6B. Also called: Developmental and epileptic encephalopathy 6B, non-Dravet. Identifiers: MedGen C5543353, MONDO:0030268, OMIM 619317.

gnomAD v4.1: 1 of 1,603,816 alleles (0.000062%); highest among the groups gnomAD compares: Non-Finnish European, 0.000085%; no homozygotes.

Submissions (3):

GeneDx
Classification: Uncertain significance. Last evaluated: 2026-10-15. Review status: criteria provided, single submitter. Criteria: GeneDx Variant Classification Process June 2021. Collection method: clinical testing. Allele origin: germline.
Comment: Not observed at significant frequency in large population cohorts (gnomAD); In silico analysis suggests that this missense variant does not alter protein structure/function; Has not been previously published as pathogenic or benign to our knowledge

Labcorp Genetics (formerly Invitae), Labcorp
Classification: Uncertain significance for Early-infantile DEE. Last evaluated: 2023-11-06. Review status: criteria provided, single submitter. Criteria: Invitae Variant Classification Sherloc (09022015). Collection method: clinical testing. Allele origin: germline.
Comment: This sequence change replaces leucine, which is neutral and non-polar, with methionine, which is neutral and non-polar, at codon 864 of the SCN1A protein (p.Leu864Met). This variant is not present in population databases (gnomAD no frequency). This variant has not been reported in the literature in individuals affected with SCN1A-related conditions. ClinVar contains an entry for this variant (Variation ID: 1320315). An algorithm developed to predict the effect of missense changes on protein structure and function (PolyPhen-2) suggests that this variant is likely to be disruptive. In summary, the available evidence is currently insufficient to determine the role of this variant in disease. Therefore, it has been classified as a Variant of Uncertain Significance.

HudsonAlpha Institute for Biotechnology
Classification: Uncertain significance for Developmental and epileptic encephalopathy 6B. Last evaluated: 2021-11-05. Review status: criteria provided, single submitter. Criteria: ACMG Guidelines, 2015. Collection method: research. Allele origin: unknown. Observed: 1 variant allele. Study: CSER-SouthSeq.
Comment: ACMG codes: PM2; PP3